The following is an entry in ClinVar:

NM_000784.4(CYP27A1):c.1477-1G>A

Gene: CYP27A1 (cytochrome P450 family 27 subfamily A member 1; plus strand). Cytogenetic location: 2q35.
Variant type: single nucleotide variant.
Coding change: c.1477-1G>A on transcript NM_000784.4 (MANE Select); the canonical splice acceptor site of the intron before coding-DNA position 1477, G replaced by A.
Molecular consequence: splice acceptor variant.
Genome position (GRCh38, 1-based): chr2:218,814,910, G>A. VCF-style: chr2-218814910-G-A. GRCh37 (hg19) VCF-style: chr2-219679633-G-A.
Other names: c.1477-1G>A (NM_000784.3).
Identifiers: ClinVar variation 2674712 (VCV002674712.2), dbSNP rs1454908929, ClinGen allele CA350595867.
Genomic context (GRCh38, chr2:218,814,910, plus strand): 5'-GAGCGGGGAGTGGATGGCAAACACACAATCCACCCAACCACATGTGCTCTTTACCCCCCA[G>A]CTGATCCAGAAGTACAAGGTGGTCCTGGCCCCGGAGACGGGGGAGTTGAAGAGTGTGGCC-3'

ClinVar aggregate classification (germline): Likely pathogenic. Review status: criteria provided, multiple submitters, no conflicts (2 of 4 stars). 2 submissions from 2 submitters: Likely pathogenic (2). Last evaluated 2026-01-16.

Conditions:
Cholestanol storage disease (CTX). Also called: CEREBRAL CHOLESTERINOSIS; Cerebrotendinous Xanthomatosis; CTX: Cerebrotendinous xanthomatosis. Identifiers: Orphanet 909, MedGen C0238052, MONDO:0008948, OMIM 213700.

Allele frequency attached by ClinVar (database versions not stated): gnomAD exomes below 0.00001.
gnomAD v4.1: 1 of 1,614,232 alleles (0.000062%); highest among the groups gnomAD compares: Non-Finnish European, 0.000085%; no homozygotes.

Submissions (2):

Natera, Inc.
Classification: Likely pathogenic for Cerebrotendinous xanthomatosis. Last evaluated: 2026-01-16. Review status: criteria provided, single submitter. Criteria: Natera Variant Classification Schema (03/2026). Collection method: clinical testing. Allele origin: germline.
Comment: The c.1477-1G>A variant in CYP27A1 is a canonical splice acceptor site variant predicted to affect pre-mRNA splicing, which may result in an abnormal transcript and altered protein product. This variant may result in a truncated or dysfunctional protein product. This variant is rare in the general population with a frequency below the threshold expected for the associated phenotype(s). Another variant at this same site results in an alteration predicted to cause a similar molecular effect has been observed in individual(s) with the associated phenotype. Given the available evidence, this variant is classified as Likely Pathogenic.

Baylor Genetics
Classification: Likely pathogenic for Cholestanol storage disease. Last evaluated: 2023-07-28. Review status: criteria provided, single submitter. Criteria: ACMG Guidelines, 2015. Collection method: clinical testing. Allele origin: unknown.